The following is an entry in ClinVar:

NM_032387.5(WNK4):c.2575A>C (p.Thr859Pro)

Gene: WNK4 (WNK lysine deficient protein kinase 4; plus strand). Cytogenetic location: 17q21.2.
Variant type: single nucleotide variant.
Coding change: c.2575A>C on transcript NM_032387.5 (MANE Select); coding-DNA position 2575, A replaced by C.
Protein change: p.Thr859Pro; replaces threonine 859 with proline.
Molecular consequence: missense variant.
Genome position (GRCh38, 1-based): chr17:42,794,996, A>C. VCF-style: chr17-42794996-A-C. GRCh37 (hg19) VCF-style: chr17-40947014-A-C.
Other names: c.1567A>C, p.Thr523Pro (NM_001321299.2); short protein forms T859P, T523P.
Identifiers: ClinVar variation 2887747 (VCV002887747.3), dbSNP rs2544034456, ClinGen allele CA399663887.

ClinVar aggregate classification (germline): Uncertain significance (1 of 4 stars; one submission).

Allele frequency attached by ClinVar (database versions not stated): gnomAD exomes 0.00001.

Submission:

Labcorp Genetics (formerly Invitae), Labcorp
Classification: Uncertain significance. Last evaluated: 2024-10-21. Review status: criteria provided, single submitter. Criteria: Invitae Variant Classification Sherloc (09022015). Collection method: clinical testing. Allele origin: germline.
Comment: This sequence change replaces threonine, which is neutral and polar, with proline, which is neutral and non-polar, at codon 859 of the WNK4 protein (p.Thr859Pro). This variant is not present in population databases (gnomAD no frequency). This variant has not been reported in the literature in individuals affected with WNK4-related conditions. Invitae Evidence Modeling of protein sequence and biophysical properties (such as structural, functional, and spatial information, amino acid conservation, physicochemical variation, residue mobility, and thermodynamic stability) indicates that this missense variant is not expected to disrupt WNK4 protein function with a negative predictive value of 95%. In summary, the available evidence is currently insufficient to determine the role of this variant in disease. Therefore, it has been classified as a Variant of Uncertain Significance.